The following is an entry in ClinVar:

ClinVar aggregate classification (germline): Uncertain significance (1 of 4 stars; one submission).

gnomAD v4.1: 1 of 1,605,886 alleles (0.000062%); highest among the groups gnomAD compares: Non-Finnish European, 0.000085%; no homozygotes.

Submission:

Ambry Genetics
Classification: Uncertain significance. Last evaluated: 2023-02-25. Review status: criteria provided, single submitter. Criteria: Ambry Variant Classification Scheme 2023. Collection method: clinical testing. Allele origin: germline.
Comment: The p.P828L variant (also known as c.2483C>T), located in coding exon 21 of the BUB1 gene, results from a C to T substitution at nucleotide position 2483. The proline at codon 828 is replaced by leucine, an amino acid with similar properties. This amino acid position is conserved. In addition, this alteration is predicted to be tolerated by in silico analysis. Since supporting evidence is limited at this time, the clinical significance of this alteration remains unclear.

NM_004336.5(BUB1):c.2483C>T (p.Pro828Leu)

Gene: BUB1 (BUB1 mitotic checkpoint serine/threonine kinase; minus strand). Cytogenetic location: 2q13.
Variant type: single nucleotide variant.
Coding change: c.2483C>T on transcript NM_004336.5 (MANE Select); coding-DNA position 2483, C replaced by T.
Protein change: p.Pro828Leu; replaces proline 828 with leucine.
Molecular consequence: missense variant.
Genome position (GRCh38, 1-based): chr2:110,641,784, G>A on the plus strand (C>T on the coding strand, the complement: BUB1 is on the minus strand). VCF-style: chr2-110641784-G-A. GRCh37 (hg19) VCF-style: chr2-111399361-G-A.
Other names: c.2423C>T, p.Pro808Leu (NM_001278616.2); c.2483C>T, p.Pro828Leu (NM_001278617.2); short protein forms P828L, P808L.
Identifiers: ClinVar variation 2464846 (VCV002464846.2), dbSNP rs200251349, ClinGen allele CA348090619.
Genomic context (GRCh38, chr2:110,641,784, plus strand): 5'-ATGTGCTGCATAGATGGCTTTAGTCTTTCCATCAACTGGGTCCCAATGTAGAATTCCCAG[G>A]GGTTGGCAGGCTTTTGGACCTGCAAATCAGGTATGTGAAATTCATATCCAATCTCGTATT-3'
Protein context (NP_004327.1, residues 818-838): FVLKVQKPAN[Pro828Leu]WEFYIGTQLM